The following is an entry in ClinVar:

NM_000531.6(OTC):c.274C>T (p.Arg92Ter)

Gene: OTC (ornithine transcarbamylase; plus strand). Cytogenetic location: Xp11.4.
Variant type: single nucleotide variant.
Coding change: c.274C>T on transcript NM_000531.6 (MANE Select); coding-DNA position 274, C replaced by T.
Protein change: p.Arg92Ter; replaces arginine 92 with a stop codon.
Molecular consequence: nonsense.
Genome position (GRCh38, 1-based): chrX:38,369,853, C>T. VCF-style: chrX-38369853-C-T. GRCh37 (hg19) VCF-style: chrX-38229106-C-T.
Other names: short protein forms R92*.
Identifiers: ClinVar variation 97151 (VCV000097151.12), dbSNP rs67418243, ClinGen allele CA224530.

ClinVar aggregate classification (germline): Pathogenic. Review status: criteria provided, multiple submitters, no conflicts (2 of 4 stars). 4 submissions from 4 submitters: Pathogenic (3). 1 of the submissions does not count toward it. Last evaluated 2025-07-14.

Conditions:
Ornithine carbamoyltransferase deficiency (OTCD). Also called: ORNITHINE TRANSCARBAMYLASE DEFICIENCY, HYPERAMMONEMIA DUE TO; ORNITHINE TRANSCARBAMYLASE DEFICIENCY; OTC DEFICIENCY; Ornithine Carbamoyltransferase Deficiency Disease. Identifiers: Orphanet 664, MedGen C0268542, MONDO:0010703, OMIM 311250.

Submissions (4):

GeneDx
Classification: Pathogenic. Last evaluated: 2025-07-14. Review status: criteria provided, single submitter. Criteria: GeneDx Variant Classification Process June 2021. Collection method: clinical testing. Allele origin: germline. Affected: yes.
Comment: Nonsense variant predicted to result in protein truncation or nonsense mediated decay in a gene for which loss of function is a known mechanism of disease; Not observed at significant frequency in large population cohorts (gnomAD); This variant is associated with the following publications: (PMID: 25011434, 25525159, 17041896, 10946359, 30285816, 12083811, 11117428, 32712949, 36303552, 33309754, 34014569, 34786702, 1671317)

Labcorp Genetics (formerly Invitae), Labcorp
Classification: Pathogenic for Ornithine carbamoyltransferase deficiency. Last evaluated: 2023-06-18. Review status: criteria provided, single submitter. Criteria: Invitae Variant Classification Sherloc (09022015). Collection method: clinical testing. Allele origin: germline.
Comment: For these reasons, this variant has been classified as Pathogenic. ClinVar contains an entry for this variant (Variation ID: 97151). This premature translational stop signal has been observed in individual(s) with OTC-related conditions (PMID: 1671317, 30285816). This variant is not present in population databases (gnomAD no frequency). This sequence change creates a premature translational stop signal (p.Arg92*) in the OTC gene. It is expected to result in an absent or disrupted protein product. Loss-of-function variants in OTC are known to be pathogenic (PMID: 10946359, 16786505).

Baylor Genetics
Classification: Pathogenic for Ornithine carbamoyltransferase deficiency. Last evaluated: 2020-12-30. Review status: criteria provided, single submitter. Criteria: ACMG Guidelines, 2015. Collection method: clinical testing. Allele origin: unknown.

GenMed Metabolism Lab
Classification: Pathogenic. Review status: no assertion criteria provided. Collection method: not provided. Allele origin: unknown. Not counted in ClinVar's aggregate classification.
Comment: p.Arg92X, Neonatal, CpG dinucleotide
ClinVar note: Converted during submission from pathogenic to Pathogenic.

Literature cited by the submitters: PubMed 1671317 (cited by Labcorp Genetics (formerly Invitae), Labcorp); PubMed 30285816 (cited by Labcorp Genetics (formerly Invitae), Labcorp); PubMed 10946359 (cited by Labcorp Genetics (formerly Invitae), Labcorp); PubMed 16786505 (cited by Labcorp Genetics (formerly Invitae), Labcorp).